The following is an entry in ClinVar:

NM_001278116.2(L1CAM):c.64A>G (p.Ile22Val)

Gene: L1CAM (L1 cell adhesion molecule; minus strand). Cytogenetic location: Xq28.
Variant type: single nucleotide variant.
Coding change: c.64A>G on transcript NM_001278116.2 (MANE Select); coding-DNA position 64, A replaced by G.
Protein change: p.Ile22Val; replaces isoleucine 22 with valine.
Molecular consequence: missense variant.
Genome position (GRCh38, 1-based): chrX:153,875,773, T>C on the plus strand (A>G on the coding strand, the complement: L1CAM is on the minus strand). VCF-style: chrX-153875773-T-C. GRCh37 (hg19) VCF-style: chrX-153141228-T-C.
Other names: c.64A>G, p.Ile22Val (NM_000425.5, NM_001143963.2, NM_024003.3); short protein forms I22V.
Identifiers: ClinVar variation 1912902 (VCV001912902.2), dbSNP rs2064808887, ClinGen allele CA415142607.

ClinVar aggregate classification (germline): Uncertain significance (1 of 4 stars; one submission).

Conditions:
Spastic paraplegia. Identifiers: MedGen C0037772, HP:0001258.

Allele frequency attached by ClinVar (database versions not stated): gnomAD exomes below 0.00001.

Submission:

Labcorp Genetics (formerly Invitae), Labcorp
Classification: Uncertain significance for Spastic paraplegia. Last evaluated: 2022-03-12. Review status: criteria provided, single submitter. Criteria: Invitae Variant Classification Sherloc (09022015). Collection method: clinical testing. Allele origin: germline.
Comment: This sequence change replaces isoleucine, which is neutral and non-polar, with valine, which is neutral and non-polar, at codon 22 of the L1CAM protein (p.Ile22Val). This variant is not present in population databases (gnomAD no frequency). This variant has not been reported in the literature in individuals affected with L1CAM-related conditions. Advanced modeling of protein sequence and biophysical properties (such as structural, functional, and spatial information, amino acid conservation, physicochemical variation, residue mobility, and thermodynamic stability) performed at Invitae indicates that this missense variant is not expected to disrupt L1CAM protein function. In summary, the available evidence is currently insufficient to determine the role of this variant in disease. Therefore, it has been classified as a Variant of Uncertain Significance.